The following is an entry in ClinVar:

ClinVar aggregate classification (germline): Uncertain significance (1 of 4 stars; one submission).

Conditions:
Fanconi anemia (FA). Also called: Fanconi's anemia. Identifiers: Orphanet 84, MedGen C0015625, MeSH D005199, MONDO:0019391.

Allele frequency attached by ClinVar (database versions not stated): gnomAD 0.00001; gnomAD exomes below 0.00001; TOPMed 0.00001.
gnomAD v4.1: 2 of 1,614,052 alleles (0.00012%); highest among the groups gnomAD compares: Non-Finnish European, 0.000085%; no homozygotes.

Submission:

Labcorp Genetics (formerly Invitae), Labcorp
Classification: Uncertain significance for Fanconi anemia. Last evaluated: 2020-10-02. Review status: criteria provided, single submitter. Criteria: Invitae Variant Classification Sherloc (09022015). Collection method: clinical testing. Allele origin: germline.
Comment: This sequence change replaces cysteine with glycine at codon 1369 of the FANCD2 protein (p.Cys1369Gly). The cysteine residue is weakly conserved and there is a large physicochemical difference between cysteine and glycine. In summary, the available evidence is currently insufficient to determine the role of this variant in disease. Therefore, it has been classified as a Variant of Uncertain Significance. Algorithms developed to predict the effect of missense changes on protein structure and function are either unavailable or do not agree on the potential impact of this missense change (SIFT: "Deleterious"; PolyPhen-2: "Benign"; Align-GVGD: "Class C0"). This variant has not been reported in the literature in individuals with FANCD2-related conditions. This variant is not present in population databases (ExAC no frequency).

NM_001018115.3(FANCD2):c.4105T>G (p.Cys1369Gly)

Genes: FANCD2 (FA complementation group D2; plus strand), FANCD2OS (FANCD2 opposite strand; minus strand). Cytogenetic location: 3p25.3.
Variant type: single nucleotide variant.
Coding change: c.4105T>G on transcript NM_001018115.3 (MANE Select); coding-DNA position 4105, T replaced by G.
Protein change: p.Cys1369Gly; replaces cysteine 1369 with glycine.
Molecular consequence: missense variant. On other transcripts: intron variant (1).
Genome position (GRCh38, 1-based): chr3:10,096,392, T>G. VCF-style: chr3-10096392-T-G. GRCh37 (hg19) VCF-style: chr3-10138076-T-G.
Other names: c.4105T>G, p.Cys1369Gly (NM_001319984.2, NM_033084.6); c.3994T>G, p.Cys1332Gly (NM_001374253.1); c.4066T>G, p.Cys1356Gly (NM_001374254.1); c.*43+7806A>C (NM_173472.2); short protein forms C1332G, C1356G, C1369G.
Identifiers: ClinVar variation 1061590 (VCV001061590.9), dbSNP rs995972011, ClinGen allele CA70038136.